The following is an entry in ClinVar:

NM_138420.4(AHNAK2):c.4032C>G (p.Gly1344=)

Gene: AHNAK2 (AHNAK nucleoprotein 2; minus strand). Cytogenetic location: 14q32.33.
Variant type: single nucleotide variant.
Coding change: c.4032C>G on transcript NM_138420.4 (MANE Select); coding-DNA position 4032, C replaced by G.
Protein change: p.Gly1344=; no amino-acid change (glycine 1344 retained).
Molecular consequence: synonymous variant.
Genome position (GRCh38, 1-based): chr14:104,951,419, G>C on the plus strand (C>G on the coding strand, the complement: AHNAK2 is on the minus strand). VCF-style: chr14-104951419-G-C. GRCh37 (hg19) VCF-style: chr14-105417756-G-C.
Other names: c.3732C>G, p.Gly1244= (NM_001350929.2).
Identifiers: ClinVar variation 2644838 (VCV002644838.24), dbSNP rs552237965, ClinGen allele CA7382685.

ClinVar aggregate classification (germline): Likely benign (1 of 4 stars; one submission).

Allele frequency attached by ClinVar (database versions not stated): ExAC 0.00003; 1000 Genomes Project 30x 0.00047; 1000 Genomes Project 0.00080.

Submission:

CeGaT Center for Human Genetics Tuebingen
Classification: Likely benign. Last evaluated: 2024-03-01. Review status: criteria provided, single submitter. Criteria: CeGaT Center For Human Genetics Tuebingen Variant Classification Criteria Version 2. Collection method: clinical testing. Allele origin: germline. Affected: yes. Observed: 4 variant alleles.
Comment: AHNAK2: BP4, BP7, BS2